The following is an entry in ClinVar:

ClinVar aggregate classification (germline): Uncertain significance. Review status: criteria provided, multiple submitters, no conflicts (2 of 4 stars). 4 submissions from 4 submitters: Uncertain significance (4). Last evaluated 2026-07-29.

Conditions:
PRX-related disorder. Also called: PRX-related condition; PRX-Related Disorders.
Charcot-Marie-Tooth disease. Also called: Charcot-Marie-Tooth Neuropathy; Charcot-Marie-Tooth Hereditary Neuropathy. Identifiers: Orphanet 166, MedGen C0007959, MONDO:0015626.
Charcot-Marie-Tooth disease type 4. Also called: Charcot-Marie-Tooth disease, type IV; Charcot-Marie-Tooth, Type 4. Identifiers: Orphanet 64749, MedGen C4082197, MONDO:0018995.

Allele frequency attached by ClinVar (database versions not stated): gnomAD 0.00004; ExAC 0.00007; TOPMed 0.00008; gnomAD exomes 0.00009 and 0.00016.
gnomAD v4.1: 229 of 1,614,068 alleles (0.014%); highest among the groups gnomAD compares: Non-Finnish European, 0.019%; no homozygotes.

Submissions (4):

PreventionGenetics, part of Exact Sciences
Classification: Uncertain significance for PRX-related condition. Last evaluated: 2026-07-29. Review status: criteria provided, single submitter. Criteria: ACMG Guidelines, 2015. Collection method: clinical testing. Allele origin: germline.
Comment: The PRX c.2464G>A variant is predicted to result in the amino acid substitution p.Glu822Lys. To our knowledge, this variant has not been reported in the literature. This variant is reported in 0.020% of alleles in individuals of European (Non-Finnish) descent in gnomAD. At this time, the clinical significance of this variant is uncertain due to the absence of conclusive functional and genetic evidence.

Labcorp Genetics (formerly Invitae), Labcorp
Classification: Uncertain significance for Charcot-Marie-Tooth disease type 4. Last evaluated: 2022-10-26. Review status: criteria provided, single submitter. Criteria: Invitae Variant Classification Sherloc (09022015). Collection method: clinical testing. Allele origin: germline.
Comment: This sequence change replaces glutamic acid, which is acidic and polar, with lysine, which is basic and polar, at codon 822 of the PRX protein (p.Glu822Lys). This variant is present in population databases (rs772009400, gnomAD 0.02%). This variant has not been reported in the literature in individuals affected with PRX-related conditions. ClinVar contains an entry for this variant (Variation ID: 476958). Advanced modeling of protein sequence and biophysical properties (such as structural, functional, and spatial information, amino acid conservation, physicochemical variation, residue mobility, and thermodynamic stability) performed at Invitae indicates that this missense variant is not expected to disrupt PRX protein function. In summary, the available evidence is currently insufficient to determine the role of this variant in disease. Therefore, it has been classified as a Variant of Uncertain Significance.

Athena Diagnostics
Classification: Uncertain significance. Last evaluated: 2021-03-15. Review status: criteria provided, single submitter. Criteria: Athena Diagnostics criteria. Collection method: clinical testing. Allele origin: unknown.

Molecular Genetics Laboratory, London Health Sciences Centre
Classification: Uncertain significance for Charcot-Marie-Tooth disease. Review status: criteria provided, single submitter. Criteria: ACMG Guidelines, 2015. Collection method: clinical testing. Allele origin: germline. Affected: yes.

NM_181882.3(PRX):c.2464G>A (p.Glu822Lys)

Gene: PRX (periaxin; minus strand). Cytogenetic location: 19q13.2.
Variant type: single nucleotide variant.
Coding change: c.2464G>A on transcript NM_181882.3 (MANE Select); coding-DNA position 2464, G replaced by A.
Protein change: p.Glu822Lys; replaces glutamic acid 822 with lysine.
Molecular consequence: missense variant. On other transcripts: 3 prime UTR variant (1).
Genome position (GRCh38, 1-based): chr19:40,395,888, C>T on the plus strand (G>A on the coding strand, the complement: PRX is on the minus strand). VCF-style: chr19-40395888-C-T. GRCh37 (hg19) VCF-style: chr19-40901795-C-T.
Other names: c.*2669G>A (NM_020956.2); short protein forms E822K.
Identifiers: ClinVar variation 476958 (VCV000476958.11), dbSNP rs772009400, ClinGen allele CA9444049.